The following is an entry in ClinVar:

ClinVar aggregate classification (germline): Likely benign (1 of 4 stars; one submission).

Conditions:
Familial adenomatous polyposis 1 (FAP1). Also called: POLYPOSIS, ADENOMATOUS INTESTINAL; FAMILIAL ADENOMATOUS POLYPOSIS 1, ATTENUATED. Identifiers: MedGen C2713442, MONDO:0021056, OMIM 175100. Disease mechanism: loss of function.

Submission:

Myriad Genetics, Inc.
Classification: Likely benign for Familial adenomatous polyposis 1. Last evaluated: 2024-02-27. Review status: criteria provided, single submitter. Criteria: Myriad Autosomal Dominant, Autosomal Recessive and X-Linked Classification Criteria (2023). Collection method: clinical testing. Allele origin: unknown.
Comment: This variant is considered likely benign. This variant is intronic and is not expected to impact mRNA splicing.

NM_000038.6(APC):c.835-18A>G

Gene: APC (APC regulator of Wnt signaling pathway; plus strand). Cytogenetic location: 5q22.2.
Variant type: single nucleotide variant.
Coding change: c.835-18A>G on transcript NM_000038.6 (MANE Select); 18 bases into the intron before coding-DNA position 835, A replaced by G.
Molecular consequence: intron variant.
Genome position (GRCh38, 1-based): chr5:112,815,477, A>G. VCF-style: chr5-112815477-A-G. GRCh37 (hg19) VCF-style: chr5-112151174-A-G.
Other names: c.-15-18A>G (NM_001407470.1, NM_001407472.1, NM_001354906.2 and 1 more transcripts); c.835-18A>G (NM_001407447.1, NM_001354895.2, NM_001407456.1 and 12 more transcripts); c.751-18A>G (NM_001407452.1, NM_001407469.1, NM_001354899.2 and 1 more transcripts); c.865-18A>G (NM_001407446.1, NM_001354897.2, NM_001354902.2); c.781-18A>G (NM_001127511.3); c.658-18A>G (NM_001407453.1, NM_001354900.2, NM_001354901.2 and 1 more transcripts); c.760-18A>G (NM_001407451.1, NM_001354898.2, NM_001354904.2).
Identifiers: ClinVar variation 3148753 (VCV003148753.1), dbSNP rs2149762057, ClinGen allele CA2709980858.
Genomic context (GRCh38, chr5:112,815,477, plus strand): 5'-TTGGAGTACCTTAACATGATGTTATCTGTATTTACCTATAGTCTAAATTATACCATCTAT[A>G]ATGTGCTTAATTTTTAGGGTTCAACTACACGAATGGACCATGAAACAGCCAGTGTTTTGA-3'